The following is an entry in ClinVar:

ClinVar aggregate classification (germline): Likely pathogenic (1 of 4 stars; one submission).

Conditions:
Hyper-IgM syndrome type 1. Also called: Hyper-IgM Immunodeficiency Syndrome, Type 1; CD40 Ligand Deficiency; X-linked hyper-IgM syndrome; Immunodeficiency, X-linked, with hyper-IgM. Identifiers: Orphanet 101088, MedGen C0398689, MONDO:0010626, OMIM 308230.

Submission:

Lifecell International Pvt. Ltd
Classification: Likely pathogenic for Hyper-IgM syndrome type 1. Review status: criteria provided, single submitter. Criteria: ACMG Guidelines, 2015. Collection method: clinical testing. Allele origin: germline. Inheritance: X-linked recessive inheritance. Affected: yes. Observed: 1 hemizygote.
Comment: A Hemizygote Missense variant c.770G>T in Exon 5 of the CD40LG gene that results in the amino acid substitution p.Gly257Val was identified. The observed variant has a minimum allele frequency of 00/00% in gnomAD exomes and genomes, respectively. The severity of the impact of this variant on the protein is high, based on the effect of the protein and REVEL score . Rare Exome Variant Ensemble Learner (REVEL) is an ensembl method for predicting the pathogenicity of missense variants based on a combination of scores from 13 individual tools: MutPred, FATHMM v2.3, VEST 3.0, PolyPhen-2, SIFT, PROVEAN, MutationAssessor, MutationTaster, LRT, GERP++, SiPhy, phyloP, and phastCons. The REVEL score for an individual missense variant can range from 0 to 1, with higher scores reflecting greater likelihood that the variant is disease-causing. Based on the above evidence this variant has been classified as Likely Pathogenic according to the ACMG guidelines.

NM_000074.3(CD40LG):c.770G>T (p.Gly257Val)

Gene: CD40LG (CD40 ligand; plus strand). Cytogenetic location: Xq26.3.
Variant type: single nucleotide variant.
Coding change: c.770G>T on transcript NM_000074.3 (MANE Select); coding-DNA position 770, G replaced by T.
Protein change: p.Gly257Val; replaces glycine 257 with valine.
Molecular consequence: missense variant.
Genome position (GRCh38, 1-based): chrX:136,659,399, G>T. VCF-style: chrX-136659399-G-T. GRCh37 (hg19) VCF-style: chrX-135741558-G-T.
Other names: short protein forms G257V.
Identifiers: ClinVar variation 2502340 (VCV002502340.1), dbSNP rs1477466218, ClinGen allele CA414757152.
Genomic context (GRCh38, chrX:136,659,399, plus strand): 5'-TGTTTGTCAATGTGACTGATCCAAGCCAAGTGAGCCATGGCACTGGCTTCACGTCCTTTG[G>T]CTTACTCAAACTCTGAACAGTGTCACCTTGCAGGCTGTGGTGGAGCTGACGCTGGGAGTC-3'
Protein context (NP_000065.1, residues 247-261): VSHGTGFTSF[Gly257Val]LLKL